The following is an entry in ClinVar:

ClinVar aggregate classification (germline): Uncertain significance. Review status: criteria provided, multiple submitters, no conflicts (2 of 4 stars). 8 submissions from 8 submitters: Uncertain significance (6). 2 of the submissions do not count toward it. Last evaluated 2026-02-11.

Conditions:
Rothmund-Thomson syndrome type 2 (RTS2). Identifiers: Orphanet 221016, MedGen C5203410, MONDO:0016369, OMIM 268400.
Baller-Gerold syndrome (BGS). Also called: CRANIOSYNOSTOSIS WITH RADIAL DEFECTS. Identifiers: Orphanet 1225, MedGen C0265308, MONDO:0009039, OMIM 218600.
Rapadilino syndrome. Identifiers: Orphanet 3021, MedGen C1849453, MONDO:0009955, OMIM 266280.
Rothmund-Thomson syndrome (RTS). Also called: Poikiloderma Congenitale; Poikiloderma of Rothmund-Thomson. Identifiers: Orphanet 2909, MedGen C0032339, MONDO:0010002.
Hereditary cancer-predisposing syndrome. Also called: Neoplastic Syndromes, Hereditary; Hereditary Cancer Syndrome; Hereditary neoplastic syndrome; Tumor predisposition. Identifiers: Orphanet 140162, MedGen C0027672, MeSH D009386, MONDO:0015356.

Allele frequency attached by ClinVar (database versions not stated): gnomAD 0.00003; TOPMed 0.00005; ExAC 0.00009.
gnomAD v4.1: 71 of 1,612,160 alleles (0.0044%); highest among the groups gnomAD compares: African/African-American, 0.0094%; 1 homozygote.

Submissions (8):

St. Jude Molecular Pathology, St. Jude Children's Research Hospital
Classification: Uncertain significance for Rothmund-Thomson syndrome type 2. Last evaluated: 2026-02-11. Review status: criteria provided, single submitter. Criteria: St. Jude Assertion Criteria 2020. Collection method: clinical testing. Allele origin: germline.
Comment: The RECQL4 c.1853G>A p.(Arg618Gln) missense change has a maximum subpopulation frequency of 0.01% in gnomAD v2.1.1. In silico tools predict a deleterious effect on protein function, but to our knowledge this prediction has not been confirmed by functional studies. To our knowledge, this variant has not been reported in individuals with RECQL4-associated conditions. In summary, the evidence currently available is insufficient to determine the clinical significance of this variant. It has therefore been classified as of uncertain significance.

Labcorp Genetics (formerly Invitae), Labcorp
Classification: Uncertain significance for Baller-Gerold syndrome. Last evaluated: 2025-07-31. Review status: criteria provided, single submitter. Criteria: Invitae Variant Classification Sherloc (09022015). Collection method: clinical testing. Allele origin: germline.
Comment: This sequence change replaces arginine, which is basic and polar, with glutamine, which is neutral and polar, at codon 618 of the RECQL4 protein (p.Arg618Gln). This variant is present in population databases (rs776616498, gnomAD 0.01%). This variant has not been reported in the literature in individuals affected with RECQL4-related conditions. ClinVar contains an entry for this variant (Variation ID: 459346). Invitae Evidence Modeling of protein sequence and biophysical properties (such as structural, functional, and spatial information, amino acid conservation, physicochemical variation, residue mobility, and thermodynamic stability) indicates that this missense variant is expected to disrupt RECQL4 protein function with a positive predictive value of 80%. In summary, the available evidence is currently insufficient to determine the role of this variant in disease. Therefore, it has been classified as a Variant of Uncertain Significance.

Blueprint Genetics
Classification: Uncertain significance. Last evaluated: 2024-10-16. Review status: criteria provided, single submitter. Criteria: ACMG Guidelines, 2015. Collection method: clinical testing. Allele origin: germline.

GeneDx
Classification: Uncertain significance. Last evaluated: 2024-08-05. Review status: criteria provided, single submitter. Criteria: GeneDx Variant Classification Process June 2021. Collection method: clinical testing. Allele origin: germline. Affected: yes.
Comment: In silico analysis supports that this missense variant has a deleterious effect on protein structure/function; This variant is associated with the following publications: (PMID: 30306255, 35171259, 31937788)

Sema4
Classification: Uncertain significance for Hereditary cancer-predisposing syndrome. Last evaluated: 2021-07-02. Review status: criteria provided, single submitter. Criteria: Sema4 Curation Guidelines. Collection method: curation. Allele origin: germline.
Comment: To the best of our knowledge, the RECQL4 c.1853G>A (p.R618Q) variant has not been reported in individuals with RECQL4-related disease. It was observed in 3/23900 chromosomes of the African/African American subpopulation in the large and broad cohorts of the Genome Aggregation Database. The variant has been reported in ClinVar (Variation ID 459346). In silico tools suggest the impact of the variant on protein function is benign, though these predictions have not been confirmed by functional studies. The evidence is insufficient to meet ACMG/AMP criteria for classifying the variant as benign or pathogenic. Thus, the clinical significance of this variant is currently uncertain.

Fulgent Genetics
Classification: Uncertain significance for Baller-Gerold syndrome; Rapadilino syndrome; Rothmund-Thomson syndrome type 2. Last evaluated: 2018-10-31. Review status: criteria provided, single submitter. Criteria: ACMG Guidelines, 2015. Collection method: clinical testing. Allele origin: unknown.

Clinical Genetics DNA and cytogenetics Diagnostics Lab, Erasmus MC, Erasmus Medical Center
Classification: Uncertain significance. Review status: no assertion criteria provided. Collection method: clinical testing. Allele origin: germline. Affected: yes. Study: VKGL Data-share Consensus. Not counted in ClinVar's aggregate classification.

Joint Genome Diagnostic Labs from Nijmegen and Maastricht, Radboudumc and MUMC+
Classification: Uncertain significance. Review status: no assertion criteria provided. Collection method: clinical testing. Allele origin: germline. Affected: yes. Study: VKGL Data-share Consensus. Not counted in ClinVar's aggregate classification.

NM_004260.4(RECQL4):c.1853G>A (p.Arg618Gln)

Gene: RECQL4 (RecQ like helicase 4; minus strand). Cytogenetic location: 8q24.3.
Variant type: single nucleotide variant.
Coding change: c.1853G>A on transcript NM_004260.4 (MANE Select); coding-DNA position 1853, G replaced by A.
Protein change: p.Arg618Gln; replaces arginine 618 with glutamine.
Molecular consequence: missense variant.
Genome position (GRCh38, 1-based): chr8:144,514,214, C>T on the plus strand (G>A on the coding strand, the complement: RECQL4 is on the minus strand). VCF-style: chr8-144514214-C-T. GRCh37 (hg19) VCF-style: chr8-145739598-C-T.
Other names: short protein forms R618Q.
Identifiers: ClinVar variation 459346 (VCV000459346.18), dbSNP rs776616498, ClinGen allele CA4948635.
Genomic context (GRCh38, chr8:144,514,214, plus strand): 5'-CCCTGGCCGCCCACCCCAGTTCACATATGGCTCACCTTGCAGACGCGCAGGTAGCAGGGC[C>T]GGAAGTTGTGGGACCACTGGGAGAGGCAGTGGGCCTCATCAATGCAGGCAAAAGCAACTG-3'
Protein context (NP_004251.4, residues 608-628): HCLSQWSHNF[Arg618Gln]PCYLRVCKVL